The following is an entry in ClinVar:

ClinVar aggregate classification (germline): Pathogenic (1 of 4 stars; one submission).

Submission:

Quest Diagnostics Nichols Institute San Juan Capistrano
Classification: Pathogenic. Last evaluated: 2024-02-05. Review status: criteria provided, single submitter. Criteria: ACMG/ClinGen CNV Guidelines, 2019. Collection method: clinical testing. Allele origin: unknown.
Comment: The copy number loss of 1q43q44 contains gene ZBTB18 (OMIM 608433) and the chromosome 1q43-q44 deletion syndromic region (OMIM 612337; ISCA-37493). Haploinsufficiency of ZBTB18 is associated with autosomal dominant intellectual developmental disorder-22 (MRD22; OMIM 612337; CCID:008126). Furthermore, heterozygous sequence and deletion variants of HNRNPU and AKT3 are associated with autosomal dominant disorders (OMIM 617391, OMIM 615937; Lopes 2019). There are no similar copy number losses of this region in the general populations of the Database of Genomic Variants. Thus, this copy number variant (CNV) is classified as pathogenic. References: Lopes et al., Front Genet. 2019 Feb 22;10:58. PMID: 30853971

GRCh37/hg19 1q43-44(chr1:243204376-249224684)x1

Genes: ZNF124 (zinc finger protein 124; minus strand), ZNF496 (zinc finger protein 496; minus strand), ZNF669 (zinc finger protein 669; minus strand), ZNF670 (zinc finger protein 670; minus strand), ZNF672 (zinc finger protein 672; plus strand) and 66 more. Cytogenetic location: 1q43-44.
Variant type: copy number loss.
Change: copy number 1 (one copy instead of two) of chr1:243,204,376-249,224,684 (6.02 Mb, GRCh37 coordinates, 1-based), cytogenetic band 1q43-44.
Identifiers: ClinVar variation 3391873 (VCV003391873.1).